The following is an entry in ClinVar:

ClinVar aggregate classification (germline): Uncertain significance (1 of 4 stars; one submission).

Conditions:
EDA-related disorder. Also called: EDA-related disorders; EDA-related condition.

Submission:

PreventionGenetics, part of Exact Sciences
Classification: Uncertain significance for EDA-related condition. Last evaluated: 2023-05-26. Review status: criteria provided, single submitter. Criteria: ACMG Guidelines, 2015. Collection method: clinical testing. Allele origin: germline.
Comment: The EDA c.847G>T variant is predicted to result in the amino acid substitution p.Val283Leu. To our knowledge, this variant has not been reported in the literature or in a large population database, indicating this variant is rare. At this time, the clinical significance of this variant is uncertain due to the absence of conclusive functional and genetic evidence.

NM_001399.5(EDA):c.847G>T (p.Val283Leu)

Gene: EDA (ectodysplasin A; plus strand). Cytogenetic location: Xq13.1.
Variant type: single nucleotide variant.
Coding change: c.847G>T on transcript NM_001399.5 (MANE Select); coding-DNA position 847, G replaced by T.
Protein change: p.Val283Leu; replaces valine 283 with leucine.
Molecular consequence: missense variant.
Genome position (GRCh38, 1-based): chrX:70,033,451, G>T. VCF-style: chrX-70033451-G-T. GRCh37 (hg19) VCF-style: chrX-69253301-G-T.
Other names: c.847G>T, p.Val283Leu (NM_001005609.2); c.838G>T, p.Val280Leu (NM_001005612.3); short protein forms V280L, V283L.
Identifiers: ClinVar variation 2632663 (VCV002632663.1), dbSNP rs2020225677, ClinGen allele CA413448870.
Genomic context (GRCh38, chrX:70,033,451, plus strand): 5'-TACTGAGATCTTTCAGGTGGAGTGCTCAATGACTGGTCTCGCATCACTATGAACCCCAAG[G>T]TGTTTAAGCTACATCCCCGCAGCGGGGAGCTGGAGGTACTGGTGGACGGCACCTACTTCA-3'
Protein context (NP_001390.1, residues 273-293): DWSRITMNPK[Val283Leu]FKLHPRSGEL